The following is an entry in ClinVar:

ClinVar aggregate classification (germline): Uncertain significance (1 of 4 stars; one submission).

Conditions:
Combined immunodeficiency due to CTPS1 deficiency. Also called: Severe combined immunodeficiency due to CTPS1 deficiency; Immunodeficiency 24. Identifiers: Orphanet 420573, MedGen C4014617, MONDO:0014391, OMIM 615897.

Allele frequency attached by ClinVar (database versions not stated): TOPMed below 0.00001; gnomAD exomes 0.00001.
gnomAD v4.1: 4 of 1,614,106 alleles (0.00025%); highest among the groups gnomAD compares: Admixed American, 0.0033%; no homozygotes.

Submission:

Labcorp Genetics (formerly Invitae), Labcorp
Classification: Uncertain significance for Combined immunodeficiency due to CTPS1 deficiency. Last evaluated: 2021-10-12. Review status: criteria provided, single submitter. Criteria: Invitae Variant Classification Sherloc (09022015). Collection method: clinical testing. Allele origin: germline.
Comment: This sequence change replaces histidine with arginine at codon 33 of the CTPS1 protein (p.His33Arg). The histidine residue is moderately conserved and there is a small physicochemical difference between histidine and arginine. This variant is not present in population databases (ExAC no frequency). This variant has not been reported in the literature in individuals affected with CTPS1-related conditions. Algorithms developed to predict the effect of missense changes on protein structure and function (SIFT, PolyPhen-2, Align-GVGD) all suggest that this variant is likely to be tolerated. In summary, the available evidence is currently insufficient to determine the role of this variant in disease. Therefore, it has been classified as a Variant of Uncertain Significance.

NM_001905.4(CTPS1):c.98A>G (p.His33Arg)

Gene: CTPS1 (CTP synthase 1; plus strand). Cytogenetic location: 1p34.2.
Variant type: single nucleotide variant.
Coding change: c.98A>G on transcript NM_001905.4 (MANE Select); coding-DNA position 98, A replaced by G.
Protein change: p.His33Arg; replaces histidine 33 with arginine.
Molecular consequence: missense variant. On other transcripts: non-coding transcript variant (1).
Genome position (GRCh38, 1-based): chr1:40,983,388, A>G. VCF-style: chr1-40983388-A-G. GRCh37 (hg19) VCF-style: chr1-41449060-A-G.
Other names: short protein forms H33R.
Identifiers: ClinVar variation 1475401 (VCV001475401.3), dbSNP rs1288200124, ClinGen allele CA339901220.